The following is an entry in ClinVar:

ClinVar aggregate classification (germline): Benign/Likely benign. Review status: criteria provided, multiple submitters, no conflicts (2 of 4 stars). 5 submissions from 5 submitters: Benign (3); Likely benign (2). Last evaluated 2026-02-01.

Conditions:
Pseudohypoaldosteronism type 2B (PHA2B). Also called: Pseudohypoaldosteronism Type IIB. Identifiers: Orphanet 757, Orphanet 88939, MedGen C1840390, MONDO:0013777, OMIM 614491.

Allele frequency attached by ClinVar (database versions not stated): gnomAD exomes 0.00226 and 0.00635; ExAC 0.00779; gnomAD 0.02469 and 0.02638; 1000 Genomes Project 0.02716; TOPMed 0.02725; ESP Exome Variant Server 0.02791; 1000 Genomes Project 30x 0.02951.
gnomAD v4.1: 7,198 of 1,613,162 alleles (0.45%); highest among the groups gnomAD compares: African/African-American, 8.4%; 292 homozygotes.

Submissions (5):

Labcorp Genetics (formerly Invitae), Labcorp
Classification: Benign. Last evaluated: 2026-02-01. Review status: criteria provided, single submitter. Criteria: Invitae Variant Classification Sherloc (09022015). Collection method: clinical testing. Allele origin: germline.

Blueprint Genetics
Classification: Likely benign. Last evaluated: 2024-11-26. Review status: criteria provided, single submitter. Criteria: ACMG Guidelines, 2015. Collection method: clinical testing. Allele origin: germline.

Fulgent Genetics
Classification: Likely benign for Pseudohypoaldosteronism type 2B. Last evaluated: 2021-11-27. Review status: criteria provided, single submitter. Criteria: ACMG Guidelines, 2015. Collection method: clinical testing. Allele origin: unknown.

GeneDx
Classification: Benign. Last evaluated: 2021-05-09. Review status: criteria provided, single submitter. Criteria: GeneDx Variant Classification Process June 2021. Collection method: clinical testing. Allele origin: germline. Affected: yes.

Illumina Laboratory Services, Illumina
Classification: Benign for Pseudohypoaldosteronism type 2B. Last evaluated: 2018-01-12. Review status: criteria provided, single submitter. Criteria: ICSL Variant Classification Criteria 13 December 2019. Collection method: clinical testing. Allele origin: germline.
Comment: This variant was observed in the ICSL laboratory as part of a predisposition screen in an ostensibly healthy population. It had not been previously curated by ICSL or reported in the Human Gene Mutation Database (HGMD: prior to June 1st, 2018), and was therefore a candidate for classification through an automated scoring system. Utilizing variant allele frequency, disease prevalence and penetrance estimates, and inheritance mode, an automated score was calculated to assess if this variant is too frequent to cause the disease. Based on the score and internal cut-off values, a variant classified as benign is not then subjected to further curation. The score for this variant resulted in a classification of benign for this disease.

NM_032387.5(WNK4):c.1477-13A>G

Gene: WNK4 (WNK lysine deficient protein kinase 4; plus strand). Cytogenetic location: 17q21.2.
Variant type: single nucleotide variant.
Coding change: c.1477-13A>G on transcript NM_032387.5 (MANE Select); 13 bases into the intron before coding-DNA position 1477, A replaced by G.
Molecular consequence: intron variant.
Genome position (GRCh38, 1-based): chr17:42,787,265, A>G. VCF-style: chr17-42787265-A-G. GRCh37 (hg19) VCF-style: chr17-40939283-A-G.
Other names: c.469-13A>G (NM_001321299.2).
Identifiers: ClinVar variation 323318 (VCV000323318.17), dbSNP rs61754357, ClinGen allele CA8584000.